The following is an entry in ClinVar:

NM_017950.4(CCDC40):c.2573A>G (p.Glu858Gly)

Gene: CCDC40 (coiled-coil domain 40 molecular ruler complex subunit; plus strand). Cytogenetic location: 17q25.3.
Variant type: single nucleotide variant.
Coding change: c.2573A>G on transcript NM_017950.4 (MANE Select); coding-DNA position 2573, A replaced by G.
Protein change: p.Glu858Gly; replaces glutamic acid 858 with glycine.
Molecular consequence: missense variant.
Genome position (GRCh38, 1-based): chr17:80,087,730, A>G. VCF-style: chr17-80087730-A-G. GRCh37 (hg19) VCF-style: chr17-78061529-A-G.
Other names: c.2573A>G, p.Glu858Gly (NM_001243342.2); short protein forms E858G.
Identifiers: ClinVar variation 4739220 (VCV004739220.1).

ClinVar aggregate classification (germline): Uncertain significance (1 of 4 stars; one submission).

Conditions:
Primary ciliary dyskinesia. Also called: Ciliary dyskinesia. Identifiers: Orphanet 244, MedGen C0008780, MONDO:0016575, HP:0012265.

gnomAD v4.1: 4 of 1,614,158 alleles (0.00025%); highest among the groups gnomAD compares: Non-Finnish European, 0.00034%; no homozygotes.

Submission:

Labcorp Genetics (formerly Invitae), Labcorp
Classification: Uncertain significance for Primary ciliary dyskinesia. Last evaluated: 2026-02-01. Review status: criteria provided, single submitter. Criteria: Invitae Variant Classification Sherloc (09022015). Collection method: clinical testing. Allele origin: germline.
Comment: This sequence change replaces glutamic acid, which is acidic and polar, with glycine, which is neutral and non-polar, at codon 858 of the CCDC40 protein (p.Glu858Gly). This variant is not present in population databases (gnomAD no frequency). This variant has not been reported in the literature in individuals affected with CCDC40-related conditions. Invitae Evidence Modeling of protein sequence and biophysical properties (such as structural, functional, and spatial information, amino acid conservation, physicochemical variation, residue mobility, and thermodynamic stability) indicates that this missense variant is not expected to disrupt CCDC40 protein function with a negative predictive value of 80%. In summary, the available evidence is currently insufficient to determine the role of this variant in disease. Therefore, it has been classified as a Variant of Uncertain Significance.